The following is an entry in ClinVar:

ClinVar aggregate classification (germline): Uncertain significance (1 of 4 stars; one submission).

Conditions:
Hereditary insensitivity to pain with anhidrosis (CIPA). Also called: NTRK1 Congenital Insensitivity to Pain with Anhidrosis; INSENSITIVITY TO PAIN, CONGENITAL, WITH ANHIDROSIS; hereditary sensory and autonomic neuropathy type 4; FAMILIAL DYSAUTONOMIA, TYPE II; HSAN Type IV; NEUROPATHY, CONGENITAL SENSORY, WITH ANHIDROSIS. Identifiers: Orphanet 642, MedGen C0020074, MONDO:0009746, OMIM 256800.

Allele frequency attached by ClinVar (database versions not stated): gnomAD exomes below 0.00001.
gnomAD v4.1: 3 of 1,614,210 alleles (0.00019%); highest among the groups gnomAD compares: Non-Finnish European, 0.00025%; no homozygotes.

Submission:

Labcorp Genetics (formerly Invitae), Labcorp
Classification: Uncertain significance for Hereditary insensitivity to pain with anhidrosis. Last evaluated: 2023-04-25. Review status: criteria provided, single submitter. Criteria: Invitae Variant Classification Sherloc (09022015). Collection method: clinical testing. Allele origin: germline.
Comment: In summary, the available evidence is currently insufficient to determine the role of this variant in disease. Therefore, it has been classified as a Variant of Uncertain Significance. Advanced modeling of protein sequence and biophysical properties (such as structural, functional, and spatial information, amino acid conservation, physicochemical variation, residue mobility, and thermodynamic stability) performed at Invitae indicates that this missense variant is not expected to disrupt NTRK1 protein function. This variant has not been reported in the literature in individuals affected with NTRK1-related conditions. This variant is not present in population databases (gnomAD no frequency). This sequence change replaces histidine, which is basic and polar, with glutamine, which is neutral and polar, at codon 497 of the NTRK1 protein (p.His497Gln).

NM_002529.4(NTRK1):c.1509C>A (p.His503Gln)

Gene: NTRK1 (neurotrophic receptor tyrosine kinase 1; plus strand). Cytogenetic location: 1q23.1.
Variant type: single nucleotide variant.
Coding change: c.1509C>A on transcript NM_002529.4 (MANE Select); coding-DNA position 1509, C replaced by A.
Protein change: p.His503Gln; replaces histidine 503 with glutamine.
Molecular consequence: missense variant.
Genome position (GRCh38, 1-based): chr1:156,876,087, C>A. VCF-style: chr1-156876087-C-A. GRCh37 (hg19) VCF-style: chr1-156845879-C-A.
Other names: c.1509C>A, p.His503Gln (NM_001007204.1); c.1401C>A, p.His467Gln (NM_001007792.1); c.1491C>A, p.His497Gln (NM_001012331.2); short protein forms H467Q, H497Q, H503Q.
Identifiers: ClinVar variation 2806658 (VCV002806658.3), dbSNP rs2102917157, ClinGen allele CA342937793.
Genomic context (GRCh38, chr1:156,876,087, plus strand): 5'-ACCCCAGCCCTCCCAAGACTGGGGCTACCGTCTGACCCTGCAAGCCCCCTCAGGTGTTCA[C>A]CACATCAAGCGCCGGGACATCGTGCTCAAGTGGGAGCTGGGGGAGGGCGCCTTTGGGAAG-3'
Protein context (NP_002520.2, residues 493-513): NPQYFSDACV[His503Gln]HIKRRDIVLK